The following is an entry in ClinVar:

ClinVar aggregate classification (germline): Pathogenic. Review status: criteria provided, multiple submitters, no conflicts (2 of 4 stars). 17 submissions from 16 submitters: Pathogenic (10). 7 of the submissions do not count toward it. Last evaluated 2024-06-04.

Conditions:
Early-infantile DEE. Also called: Ohtahara syndrome; Early infantile epileptic encephalopathy with suppression bursts; Early infantile epileptic encephalopathy. Identifiers: Orphanet 1934, MedGen C0393706, MONDO:0800491.
Developmental and epileptic encephalopathy, 6A. Also called: Early Infantile Epileptic Encephalopathy 6; SCN1A-Related Severe Myoclonic Epilepsy in Infancy; Developmental and epileptic encephalopathy, 6. Identifiers: MedGen CN293401, MONDO:0100079.
SCN1A-related disorder. Also called: SCN1A-related disorders; SCN1A-related conditions; SCN1A-related condition.
Developmental and epileptic encephalopathy 6B. Also called: Developmental and epileptic encephalopathy 6B, non-Dravet. Identifiers: MedGen C5543353, MONDO:0030268, OMIM 619317.
Generalized epilepsy with febrile seizures plus, type 2 (GEFSP2). Also called: GEFS+, TYPE 2. Identifiers: Orphanet 36387, MedGen C1858673, MONDO:0011461, OMIM 604403.
Severe myoclonic epilepsy in infancy (DRVT). Also called: DEVELOPMENTAL AND EPILEPTIC ENCEPHALOPATHY 6A; Severe Myoclonic Epilepsy in Infancy (SMEI); Epileptic encephalopathy, early infantile, 6 (Dravet syndrome); SEVERE MYOCLONIC EPILEPSY OF INFANCY; Dravet syndrome. Identifiers: Orphanet 33069, MedGen C0751122, MONDO:0100135, OMIM 607208.
Migraine, familial hemiplegic, 3. Identifiers: Orphanet 569, MedGen C1864987, MONDO:0012320, OMIM 609634.
Global developmental delay (DD). Also called: Cognitive delay. Identifiers: MedGen C0557874, HP:0001263. Disease mechanism: loss of function.
Seizure. Also called: Seizures. Identifiers: MedGen C0036572, HP:0001250.

Submissions (18):

Labcorp Genetics (formerly Invitae), Labcorp
Classification: Pathogenic for Early-infantile DEE. Last evaluated: 2024-06-04. Review status: criteria provided, single submitter. Criteria: Invitae Variant Classification Sherloc (09022015). Collection method: clinical testing. Allele origin: germline.
Comment: This sequence change replaces threonine, which is neutral and polar, with methionine, which is neutral and non-polar, at codon 226 of the SCN1A protein (p.Thr226Met). This variant is not present in population databases (gnomAD no frequency). This missense change has been observed in individual(s) with Dravet syndrome and cryptogenic generalized epilepsy (PMID: 17347258, 23895530, 25401298). In at least one individual the variant was observed to be de novo. ClinVar contains an entry for this variant (Variation ID: 68578). Advanced modeling of protein sequence and biophysical properties (such as structural, functional, and spatial information, amino acid conservation, physicochemical variation, residue mobility, and thermodynamic stability) performed at Invitae indicates that this missense variant is expected to disrupt SCN1A protein function with a positive predictive value of 95%. For these reasons, this variant has been classified as Pathogenic.

Genomic Medicine Center of Excellence, King Faisal Specialist Hospital and Research Centre
Classification: Pathogenic for Severe myoclonic epilepsy in infancy. Last evaluated: 2024-03-26. Review status: criteria provided, single submitter. Criteria: ACMG Guidelines, 2015. Collection method: clinical testing. Allele origin: germline.

CeGaT Center for Human Genetics Tuebingen
Classification: Pathogenic. Last evaluated: 2023-08-01. Review status: criteria provided, single submitter. Criteria: CeGaT Center For Human Genetics Tuebingen Variant Classification Criteria Version 2. Collection method: clinical testing. Allele origin: germline. Affected: yes. Observed: 1 variant allele.
Comment: SCN1A: PS2, PM2, PM5, PS4:Moderate, PP2, PP3

GeneDx
Classification: Pathogenic. Last evaluated: 2022-11-09. Review status: criteria provided, single submitter. Criteria: GeneDx Variant Classification Process June 2021. Collection method: clinical testing. Allele origin: germline. Affected: yes.
Comment: Published functional studies demonstrate a damaging effect (Berecki et al., 2019); Not observed at significant frequency in large population cohorts (gnomAD); In silico analysis supports that this missense variant has a deleterious effect on protein structure/function; Missense variants in this gene are often considered pathogenic (HGMD); This variant is associated with the following publications: (PMID: 17347258, 23895530, 21719429, 19585586, 18804930, 25401298, 28794249, 25741868, 30779207, 31791873, 32581362, 31785789, 34489640, 33084218, 31130284, 28252636, 31257984, 31864146)

Blueprint Genetics
Classification: Pathogenic for SCN1A-related disorders. Last evaluated: 2022-09-09. Review status: criteria provided, single submitter. Criteria: ACMG Guidelines, 2015. Collection method: clinical testing. Allele origin: germline. Affected: yes. Observed: 1 variant allele.

Institute of Human Genetics, University of Leipzig Medical Center
Classification: Pathogenic for Developmental and epileptic encephalopathy 6B. Last evaluated: 2022-01-19. Review status: criteria provided, single submitter. Criteria: ACMG Guidelines, 2015. Collection method: clinical testing. Allele origin: de novo. Inheritance: Autosomal dominant inheritance. Affected: yes.

Victorian Clinical Genetics Services, Murdoch Childrens Research Institute
Classification: Pathogenic for Developmental and epileptic encephalopathy, 6A. Last evaluated: 2020-05-21. Review status: criteria provided, single submitter. Criteria: ACMG Guidelines, 2015. Collection method: clinical testing. Allele origin: germline. Inheritance: Autosomal dominant inheritance.
Comment: Based on the classification scheme VCGS_Germline_v1.1.1, this variant is classified as Pathogenic. Following criteria are met: 0200 Variant is predicted to result in a missense amino acid change from threonine to methionine (exon 5). (N) 0251 Variant is heterozygous. (N) 0107 This gene is known to be associated with autosomal dominant disease. (N) 0301 Variant is absent from gnomAD. (P) 0801 Strong previous evidence of pathogenicity in unrelated individuals (ClinVar; LOVD; Decipher; Berecki, G. et al. (2019)). (P) 0600 Variant is located in an annotated domain or motif (ion transport domain; NCBI, PDB, Decipher). (N) 0501 Missense variant consistently predicted to be damaging by multiple in silico tools or highly conserved with a major amino acid change. (P) 0103 Both loss- and gain-of-function are known mechanisms of disease for this gene (Wei, F. et al. (2017)). (P) Legend: (P) - Pathogenic, (N) - Neutral, (B) - Benign

Fulgent Genetics
Classification: Pathogenic for Generalized epilepsy with febrile seizures plus, type 2; Severe myoclonic epilepsy in infancy; Migraine, familial hemiplegic, 3. Last evaluated: 2018-10-31. Review status: criteria provided, single submitter. Criteria: ACMG Guidelines, 2015. Collection method: clinical testing. Allele origin: unknown.

Institute of Human Genetics, University of Leipzig Medical Center
Classification: Pathogenic for Severe myoclonic epilepsy in infancy. Last evaluated: 2018-01-01. Review status: criteria provided, single submitter. Criteria: ACMG Guidelines, 2015. Collection method: clinical testing. Allele origin: de novo. Affected: yes.
Comment: This variant was identified as de novo (maternity and paternity confirmed).

Foundation for Research in Genetics and Endocrinology, FRIGE's Institute of Human Genetics
Classification: Pathogenic for Severe myoclonic epilepsy in infancy; Generalized epilepsy with febrile seizures plus, type 2. Review status: criteria provided, single submitter. Criteria: ACMG Guidelines, 2015. Collection method: clinical testing. Allele origin: de novo. Inheritance: Autosomal dominant inheritance. Affected: yes. Observed: 1 heterozygote.
Comment: A heterozygous missense variation in exon 7 of the SCN1A gene that results in the amino acid substitution of Methionine for Threonine at codon 226 was detected. The observed variant c.677C>T (p.Thr226Met) has not been reported in the 1000 genomes and gnomAD databases. The in silico predictions of the variant are damaging by PolyPhen-2 (HumDiv) and damaging by SIFT, LRT and MutationTaster2. The reference codon is conserved across species. In summary, the variant meets our criteria to be classified as pathogenic.

OMIM
Classification: Pathogenic for DEVELOPMENTAL AND EPILEPTIC ENCEPHALOPATHY 6B. Last evaluated: 2007-03-01. Review status: no assertion criteria provided. Collection method: literature only. Allele origin: germline. Not counted in ClinVar's aggregate classification.

Channelopathy-Associated Epilepsy Research Center
No classification provided (evidence only). Condition: Severe myoclonic epilepsy in infancy. Review status: no classification provided. Collection method: literature only. Allele origin: not applicable. Functional consequence: Normal peak current, Moderate hyperpolarizing shift of voltage dependence of activation, Normal slope of activation, Moderate hyperpolarizing shift of voltage dependence of fast inactivation, Normal slope of fast inactivation, Moderate slowing of activation, Acceleration of fast inactivation, Normal rate of recovery from fast inactivation, Overall mixed or unclear functional effect with respect to biophysical channel activity. Not counted in ClinVar's aggregate classification.
ClinVar note: "not provided" was previously submitted as the classification for the variant. However, the classification appeared to be based only on an observation of functional data so it was converted to no classification on 2025-07-30.

Genome Diagnostics Laboratory, University Medical Center Utrecht
Classification: Pathogenic. Review status: no assertion criteria provided. Collection method: clinical testing. Allele origin: germline. Affected: yes. Study: VKGL Data-share Consensus. Not counted in ClinVar's aggregate classification.

Joint Genome Diagnostic Labs from Nijmegen and Maastricht, Radboudumc and MUMC+
Classification: Pathogenic. Review status: no assertion criteria provided. Collection method: clinical testing. Allele origin: germline. Affected: yes. Study: VKGL Data-share Consensus. Not counted in ClinVar's aggregate classification.

Kasturba Medical College, Manipal, Kasturba Medical College, Manipal, Manipal Academy of Higher Education, Manipal, India
Classification: Pathogenic for Developmental and epileptic encephalopathy 6B. Review status: no assertion criteria provided. Collection method: clinical testing. Allele origin: de novo. Inheritance: Autosomal dominant inheritance. Affected: yes. Not counted in ClinVar's aggregate classification.

Laboratory of Diagnostic Genome Analysis, Leiden University Medical Center (LUMC)
Classification: Pathogenic. Review status: no assertion criteria provided. Collection method: clinical testing. Allele origin: germline. Affected: yes. Study: VKGL Data-share Consensus. Not counted in ClinVar's aggregate classification.

NIHR Bioresource Rare Diseases, University of Cambridge
Classification: Pathogenic for Seizure; Global developmental delay. Review status: no assertion criteria provided. Collection method: research. Allele origin: unknown. Affected: yes. Observed: 1 variant allele. Not counted in ClinVar's aggregate classification.

UniProtKB/Swiss-Prot
No classification provided. Condition: Severe myoclonic epilepsy in infancy. Review status: no classification provided. Collection method: not provided. Allele origin: unknown. Not counted in ClinVar's aggregate classification.
Comment: Found in a patiet with A SMEI borderline phenotype and a patient with cryptogenic generalized epilepsy

Literature cited by the submitters: PubMed 17347258 (cited by Labcorp Genetics (formerly Invitae), Labcorp and OMIM); PubMed 23895530 (cited by Labcorp Genetics (formerly Invitae), Labcorp); PubMed 25401298 (cited by Labcorp Genetics (formerly Invitae), Labcorp); PubMed 31791873 (cited by Institute of Human Genetics, University of Leipzig Medical Center); PubMed 28794249 (cited by OMIM); PubMed 24656210 (cited by OMIM); PubMed 30779207 (cited by Channelopathy-Associated Epilepsy Research Center); PubMed 32581362 (cited by NIHR Bioresource Rare Diseases, University of Cambridge).

NM_001165963.4(SCN1A):c.677C>T (p.Thr226Met)

Gene: SCN1A (sodium voltage-gated channel alpha subunit 1; minus strand). Cytogenetic location: 2q24.3.
Variant type: single nucleotide variant.
Coding change: c.677C>T on transcript NM_001165963.4 (MANE Select); coding-DNA position 677, C replaced by T.
Protein change: p.Thr226Met; replaces threonine 226 with methionine.
Molecular consequence: missense variant. On other transcripts: 5 prime UTR variant (1), non-coding transcript variant (1).
Genome position (GRCh38, 1-based): chr2:166,052,869, G>A on the plus strand (C>T on the coding strand, the complement: SCN1A is on the minus strand). VCF-style: chr2-166052869-G-A. GRCh37 (hg19) VCF-style: chr2-166909379-G-A.
Other names: p.T226M:ACG>ATG; c.677C>T, p.Thr226Met (NM_001165964.3, NM_001202435.3, NM_001353948.2 and 10 more transcripts); c.-1749C>T (NM_001353961.2); short protein forms T226M.
Identifiers: ClinVar variation 68578 (VCV000068578.53), dbSNP rs121917984, ClinGen allele CA285042.
Genomic context (GRCh38, chr2:166,052,869, plus strand): 5'-AATCACATGATGGGTCCGTCTCATTATCTAACCTTGCTCTCACCTGGAATGACTGAAATC[G>A]TCTTCAATGCTCGGAGAACTCTGAATGTTCTCAATGCCGAGACATTGCCCAGGTCCACAA-3'
Protein context (NP_001159435.1, residues 216-236): RTFRVLRALK[Thr226Met]ISVIPGLKTI